The following is an entry in ClinVar:

ClinVar aggregate classification (germline): Uncertain significance. Review status: criteria provided, multiple submitters, no conflicts (2 of 4 stars). 2 submissions from 2 submitters: Uncertain significance (2). Last evaluated 2022-06-28.

Conditions:
Autosomal recessive ataxia due to ubiquinone deficiency. Also called: SPINOCEREBELLAR ATAXIA, AUTOSOMAL RECESSIVE 9; Coenzyme Q10 deficiency, primary, 4. Identifiers: Orphanet 139485, MedGen C2677589, MONDO:0012784, OMIM 612016.

Allele frequency attached by ClinVar (database versions not stated): gnomAD exomes below 0.00001.
gnomAD v4.1: 1 of 1,560,738 alleles (0.000064%); highest among the groups gnomAD compares: Non-Finnish European, 0.000087%; no homozygotes.

Submissions (2):

Labcorp Genetics (formerly Invitae), Labcorp
Classification: Uncertain significance. Last evaluated: 2022-06-28. Review status: criteria provided, single submitter. Criteria: Invitae Variant Classification Sherloc (09022015). Collection method: clinical testing. Allele origin: germline.
Comment: In summary, the available evidence is currently insufficient to determine the role of this variant in disease. Therefore, it has been classified as a Variant of Uncertain Significance. Advanced modeling of protein sequence and biophysical properties (such as structural, functional, and spatial information, amino acid conservation, physicochemical variation, residue mobility, and thermodynamic stability) performed at Invitae indicates that this missense variant is not expected to disrupt COQ8A protein function. ClinVar contains an entry for this variant (Variation ID: 296013). This variant has not been reported in the literature in individuals affected with COQ8A-related conditions. This variant is not present in population databases (gnomAD no frequency). This sequence change replaces glutamic acid, which is acidic and polar, with alanine, which is neutral and non-polar, at codon 240 of the COQ8A protein (p.Glu240Ala).

Illumina Laboratory Services, Illumina
Classification: Uncertain significance for Autosomal recessive ataxia due to ubiquinone deficiency. Last evaluated: 2018-01-13. Review status: criteria provided, single submitter. Criteria: ICSL Variant Classification Criteria 13 December 2019. Collection method: clinical testing. Allele origin: germline.

NM_020247.5(COQ8A):c.719A>C (p.Glu240Ala)

Gene: COQ8A (coenzyme Q8A; plus strand). Cytogenetic location: 1q42.13.
Variant type: single nucleotide variant.
Coding change: c.719A>C on transcript NM_020247.5 (MANE Select); coding-DNA position 719, A replaced by C.
Protein change: p.Glu240Ala; replaces glutamic acid 240 with alanine.
Molecular consequence: missense variant.
Genome position (GRCh38, 1-based): chr1:226,977,512, A>C. VCF-style: chr1-226977512-A-C. GRCh37 (hg19) VCF-style: chr1-227165213-A-C.
Other names: short protein forms E240A.
Identifiers: ClinVar variation 296013 (VCV000296013.10), dbSNP rs886046065, ClinGen allele CA10609258.